The following is an entry in ClinVar:

NM_020461.4(TUBGCP6):c.4507G>A (p.Ala1503Thr)

Gene: TUBGCP6 (tubulin gamma complex component 6; minus strand). Cytogenetic location: 22q13.33.
Variant type: single nucleotide variant.
Coding change: c.4507G>A on transcript NM_020461.4 (MANE Select); coding-DNA position 4507, G replaced by A.
Protein change: p.Ala1503Thr; replaces alanine 1503 with threonine.
Molecular consequence: missense variant.
Genome position (GRCh38, 1-based): chr22:50,219,187, C>T on the plus strand (G>A on the coding strand, the complement: TUBGCP6 is on the minus strand). VCF-style: chr22-50219187-C-T. GRCh37 (hg19) VCF-style: chr22-50657616-C-T.
Other names: short protein forms A1503T.
Identifiers: ClinVar variation 860386 (VCV000860386.11), dbSNP rs200841925, ClinGen allele CA10307463.

ClinVar aggregate classification (germline): Conflicting classifications of pathogenicity. Review status: criteria provided, conflicting classifications (1 of 4 stars). 3 submissions from 3 submitters: Uncertain significance (1); Likely benign (2). Last evaluated 2026-01-22.

Conditions:
Microcephaly and chorioretinopathy 1. Also called: Microcephaly and chorioretinopathy, autosomal recessive, 1. Identifiers: MedGen C3278481, MONDO:0009624, OMIM 251270.

Allele frequency attached by ClinVar (database versions not stated): ESP Exome Variant Server 0.00008; 1000 Genomes Project 30x 0.00016; ExAC 0.00017; 1000 Genomes Project 0.00020; gnomAD exomes 0.00021; TOPMed 0.00030.
gnomAD v4.1: 238 of 1,611,410 alleles (0.015%); highest among the groups gnomAD compares: East Asian, 0.16%; no homozygotes.

Submissions (3):

Labcorp Genetics (formerly Invitae), Labcorp
Classification: Likely benign. Last evaluated: 2026-01-22. Review status: criteria provided, single submitter. Criteria: Invitae Variant Classification Sherloc (09022015). Collection method: clinical testing. Allele origin: germline.

Blueprint Genetics
Classification: Likely benign. Last evaluated: 2024-03-19. Review status: criteria provided, single submitter. Criteria: ACMG Guidelines, 2015. Collection method: clinical testing. Allele origin: germline.

Baylor Genetics
Classification: Uncertain significance for Microcephaly and chorioretinopathy 1. Last evaluated: 2020-01-10. Review status: criteria provided, single submitter. Criteria: ACMG Guidelines, 2015. Collection method: clinical testing. Allele origin: unknown. Affected: yes.
Comment: This variant was determined to be of uncertain significance according to ACMG Guidelines, 2015 [PMID:25741868].